The following is an entry in ClinVar:

ClinVar aggregate classification (germline): Likely benign. Review status: criteria provided, multiple submitters, no conflicts (2 of 4 stars). 3 submissions from 3 submitters: Likely benign (2). 1 of the submissions does not count toward it. Last evaluated 2024-12-25.

Conditions:
TMEM94-related disorder. Also called: TMEM94-related condition.
Inborn genetic diseases. Identifiers: MedGen C0950123, MeSH D030342.

Allele frequency attached by ClinVar (database versions not stated): gnomAD exomes 0.00010; ExAC 0.00035; 1000 Genomes Project 0.00100; gnomAD 0.00101; 1000 Genomes Project 30x 0.00125; TOPMed 0.00130; ESP Exome Variant Server 0.00146.
gnomAD v4.1: 298 of 1,612,140 alleles (0.018%); highest among the groups gnomAD compares: African/African-American, 0.34%; 3 homozygotes.

Submissions (3):

Ambry Genetics
Classification: Likely benign for Inborn genetic diseases. Last evaluated: 2024-12-25. Review status: criteria provided, single submitter. Criteria: Ambry Variant Classification Scheme 2023. Collection method: clinical testing. Allele origin: germline.

CeGaT Center for Human Genetics Tuebingen
Classification: Likely benign. Last evaluated: 2023-04-01. Review status: criteria provided, single submitter. Criteria: CeGaT Center For Human Genetics Tuebingen Variant Classification Criteria Version 2. Collection method: clinical testing. Allele origin: germline. Affected: yes. Observed: 1 variant allele.
Comment: TMEM94: BP4

PreventionGenetics, part of Exact Sciences
Classification: Likely benign for TMEM94-related condition. Last evaluated: 2022-11-01. Review status: no assertion criteria provided. Collection method: clinical testing. Allele origin: germline. Not counted in ClinVar's aggregate classification.
Comment: This variant is classified as likely benign based on ACMG/AMP sequence variant interpretation guidelines (Richards et al. 2015 PMID: 25741868, with internal and published modifications).

NM_014738.6(TMEM94):c.2384G>A (p.Arg795His)

Gene: TMEM94 (transmembrane protein 94; plus strand). Cytogenetic location: 17q25.1.
Variant type: single nucleotide variant.
Coding change: c.2384G>A on transcript NM_014738.6 (MANE Select); coding-DNA position 2384, G replaced by A.
Protein change: p.Arg795His; replaces arginine 795 with histidine.
Molecular consequence: missense variant.
Genome position (GRCh38, 1-based): chr17:75,493,893, G>A. VCF-style: chr17-75493893-G-A. GRCh37 (hg19) VCF-style: chr17-73489974-G-A.
Other names: c.2414G>A, p.Arg805His (NM_001321148.2, NM_001351203.2); c.2396G>A, p.Arg799His (NM_001321149.2); c.2336G>A, p.Arg779His (NM_001351202.2); c.2384G>A (NM_014738.5, NM_014738.4); short protein forms R779H, R795H, R799H, R805H.
Identifiers: ClinVar variation 2648256 (VCV002648256.26), dbSNP rs141743405, ClinGen allele CA8762139.
Genomic context (GRCh38, chr17:75,493,893, plus strand): 5'-AAAGCAGCATCTTCACCATGTGCGAGCTGCCCAGCACCATCCCCATCAAGCAGAACGCCC[G>A]CCGCAGCAGCTGGAGCTCTGACGGTACCTCATGGGTCTGTCCAGCGGGGCTGGTGCTGGG-3'
Protein context (NP_055553.3, residues 785-805): PSTIPIKQNA[Arg795His]RSSWSSDEGI